The following is an entry in ClinVar:

ClinVar aggregate classification (germline): Likely benign. Review status: criteria provided, multiple submitters, no conflicts (2 of 4 stars). 2 submissions from 2 submitters: Likely benign (2). Last evaluated 2026-04-01.

Conditions:
Anterior segment dysgenesis 7 (ASGD7). Also called: Anterior segment dysgenesis 7, with sclerocornea; SCLEROCORNEA WITH OTHER OCULAR ANOMALIES. Identifiers: Orphanet 289499, MedGen C3151617, MONDO:0010015, OMIM 269400.

Allele frequency attached by ClinVar (database versions not stated): gnomAD exomes 0.00007 and 0.00026; ExAC 0.00008; ESP Exome Variant Server 0.00008; gnomAD 0.00015 and 0.00018; TOPMed 0.00017.
gnomAD v4.1: 404 of 1,611,744 alleles (0.025%); highest among the groups gnomAD compares: Non-Finnish European, 0.032%; no homozygotes.

Submissions (2):

CeGaT Center for Human Genetics Tuebingen
Classification: Likely benign. Last evaluated: 2026-04-01. Review status: criteria provided, single submitter. Criteria: CeGaT Center For Human Genetics Tuebingen Variant Classification Criteria Version 2. Collection method: clinical testing. Allele origin: germline. Affected: yes. Observed: 1 variant allele.
Comment: PXDN: BP4, BP7

Labcorp Genetics (formerly Invitae), Labcorp
Classification: Likely benign for Anterior segment dysgenesis 7. Last evaluated: 2025-02-20. Review status: criteria provided, single submitter. Criteria: Invitae Variant Classification Sherloc (09022015). Collection method: clinical testing. Allele origin: germline.

NM_012293.3(PXDN):c.3147G>A (p.Glu1049=)

Gene: PXDN (peroxidasin; minus strand). Cytogenetic location: 2p25.3.
Variant type: single nucleotide variant.
Coding change: c.3147G>A on transcript NM_012293.3 (MANE Select); coding-DNA position 3147, G replaced by A.
Protein change: p.Glu1049=; no amino-acid change (glutamic acid 1049 retained).
Molecular consequence: synonymous variant.
Genome position (GRCh38, 1-based): chr2:1,648,633, C>T on the plus strand (G>A on the coding strand, the complement: PXDN is on the minus strand). VCF-style: chr2-1648633-C-T. GRCh37 (hg19) VCF-style: chr2-1652405-C-T.
Identifiers: ClinVar variation 726003 (VCV000726003.9), dbSNP rs369851999, ClinGen allele CA1512808.